The following is an entry in ClinVar:

ClinVar aggregate classification (germline): Pathogenic/Likely pathogenic. Review status: criteria provided, multiple submitters, no conflicts (2 of 4 stars). 3 submissions from 3 submitters: Pathogenic (1); Likely pathogenic (2). Last evaluated 2025-11-25.

Conditions:
Spermatogenic failure 46. Identifiers: MedGen C5436799, MONDO:0033673, OMIM 619095.
Primary ciliary dyskinesia. Also called: Ciliary dyskinesia. Identifiers: Orphanet 244, MedGen C0008780, MONDO:0016575, HP:0012265.

Submissions (3):

Labcorp Genetics (formerly Invitae), Labcorp
Classification: Pathogenic for Primary ciliary dyskinesia. Last evaluated: 2025-11-25. Review status: criteria provided, single submitter. Criteria: Invitae Variant Classification Sherloc (09022015). Collection method: clinical testing. Allele origin: germline.
Comment: This sequence change creates a premature translational stop signal (p.Thr1162Lysfs*7) in the DNAH8 gene. It is expected to result in an absent or disrupted protein product. Loss-of-function variants in DNAH8 are known to be pathogenic (PMID: 24307375, 32619401, 32681648). This variant is present in population databases (rs766707325, gnomAD 0.01%). This variant has not been reported in the literature in individuals affected with DNAH8-related conditions. ClinVar contains an entry for this variant (Variation ID: 525325). For these reasons, this variant has been classified as Pathogenic.

Laboratory of Genetics, Children's Clinical University Hospital Latvia
Classification: Likely pathogenic. Last evaluated: 2025-02-16. Review status: criteria provided, single submitter. Criteria: ACMG Guidelines, 2015. Collection method: clinical testing. Allele origin: germline. Affected: yes.

Department of Pathology and Laboratory Medicine, Sinai Health System
Classification: Likely pathogenic for spermatogenic failure 46. Last evaluated: 2022-04-12. Review status: criteria provided, single submitter. Criteria: ACMG Guidelines, 2015. Collection method: research. Allele origin: germline.

Literature cited by the submitters: PubMed 24307375 (cited by Labcorp Genetics (formerly Invitae), Labcorp); PubMed 32619401 (cited by Labcorp Genetics (formerly Invitae), Labcorp); PubMed 32681648 (cited by Labcorp Genetics (formerly Invitae), Labcorp).

NM_001206927.2(DNAH8):c.3483_3489del (p.Thr1162fs)

Gene: DNAH8 (dynein axonemal heavy chain 8; plus strand). Cytogenetic location: 6p21.2.
Variant type: Deletion.
Coding change: c.3483_3489del on transcript NM_001206927.2 (MANE Select); coding-DNA positions 3483 to 3489, 7 bases deleted (GACCCAT; older notation c.3483_3489delGACCCAT).
Protein change: p.Thr1162fs; shifts the reading frame from threonine 1162.
Molecular consequence: frameshift variant.
Genome position (GRCh38, 1-based): chr6:38,815,617-38,815,623, GACCCAT deleted; deleting any 7 consecutive bases within chr6:38,815,616-38,815,623 gives the same sequence; the c. name uses the placement nearest the transcript's 3' end. VCF-style (leftmost placement, unchanged base first): chr6-38815615-GTGACCCA-G. GRCh37 (hg19) VCF-style: chr6-38783391-GTGACCCA-G.
Other names: c.2832_2838del, p.Thr945fs (NM_001371.4); short protein forms T945fs, T1162fs.
Identifiers: ClinVar variation 525325 (VCV000525325.9), dbSNP rs766707325, ClinGen allele CA3788851.